The following is an entry in ClinVar:

ClinVar aggregate classification (germline): Uncertain significance (1 of 4 stars; one submission).

Allele frequency attached by ClinVar (database versions not stated): gnomAD 0.00001.
gnomAD v4.1: 1 of 1,613,960 alleles (0.000062%); highest among the groups gnomAD compares: Admixed American, 0.0017%; no homozygotes.

Submission:

Labcorp Genetics (formerly Invitae), Labcorp
Classification: Uncertain significance. Last evaluated: 2022-07-12. Review status: criteria provided, single submitter. Criteria: Invitae Variant Classification Sherloc (09022015). Collection method: clinical testing. Allele origin: germline.
Comment: This sequence change replaces threonine, which is neutral and polar, with arginine, which is basic and polar, at codon 1515 of the ABCA4 protein (p.Thr1515Arg). This variant is not present in population databases (gnomAD no frequency). This variant has not been reported in the literature in individuals affected with ABCA4-related conditions. Advanced modeling of protein sequence and biophysical properties (such as structural, functional, and spatial information, amino acid conservation, physicochemical variation, residue mobility, and thermodynamic stability) performed at Invitae indicates that this missense variant is not expected to disrupt ABCA4 protein function. Algorithms developed to predict the effect of sequence changes on RNA splicing suggest that this variant may create or strengthen a splice site. In summary, the available evidence is currently insufficient to determine the role of this variant in disease. Therefore, it has been classified as a Variant of Uncertain Significance.

NM_000350.3(ABCA4):c.4544C>G (p.Thr1515Arg)

Gene: ABCA4 (ATP binding cassette subfamily A member 4; minus strand). Cytogenetic location: 1p22.1.
Variant type: single nucleotide variant.
Coding change: c.4544C>G on transcript NM_000350.3 (MANE Select); coding-DNA position 4544, C replaced by G.
Protein change: p.Thr1515Arg; replaces threonine 1515 with arginine.
Molecular consequence: missense variant.
Genome position (GRCh38, 1-based): chr1:94,025,044, G>C on the plus strand (C>G on the coding strand, the complement: ABCA4 is on the minus strand). VCF-style: chr1-94025044-G-C. GRCh37 (hg19) VCF-style: chr1-94490600-G-C.
Other names: c.4322C>G, p.Thr1441Arg (NM_001425324.1); short protein forms T1515R, T1441R.
Identifiers: ClinVar variation 2077677 (VCV002077677.1), dbSNP rs1660002129, ClinGen allele CA341284743.
Genomic context (GRCh38, chr1:94,025,044, plus strand): 5'-ACCAAGAAGTCGGAGATGTTCCTGTCCGTCAGGTCTTGTAGAATTTCCGTGCTGCGCTGT[G>C]TTCTCTGAGGCAATGAGACACCCACGTTAATTACCTTGGAACTTGAGGACTTATAAGTAG-3'
Protein context (NP_000341.2, residues 1505-1525): GAGGLPPPQR[Thr1515Arg]QRSTEILQDL